The following is an entry in ClinVar:

NM_206926.2(SELENON):c.301+854_301+855del

Gene: SELENON (selenoprotein N; plus strand). Cytogenetic location: 1p36.11.
Variant type: Deletion.
Coding change: c.301+854_301+855del on transcript NM_206926.2 (MANE Select); bases 854 to 855 of the intron after coding-DNA position 301, 2 bases deleted (AG; older notation c.301+854_301+855delAG).
Molecular consequence: intron variant. On other transcripts: splice acceptor variant (1).
Genome position (GRCh38, 1-based): chr1:25,802,014-25,802,015, AG deleted. VCF-style (leftmost placement, unchanged base first): chr1-25802013-CAG-C. GRCh37 (hg19) VCF-style: chr1-26128504-CAG-C.
Other names: c.302-2_302-1del (NM_020451.3).
Identifiers: ClinVar variation 2853082 (VCV002853082.3), dbSNP rs2524960858, ClinGen allele CA2644196353.
Genomic context (GRCh38, chr1:25,802,013, plus strand): 5'-GACGAATATGCAGTAGATTTCCAATAGACAGCAGCTATAACTTTTTTTTTTTTTTTGAGA[CAG>C]GGTCTTGTTCTGTCACCCAGACTGGAGTGCAGTGGTGCAGTCACAGCTCACTGCAGCCTC-3'

ClinVar aggregate classification (germline): Likely pathogenic (1 of 4 stars; one submission).

Conditions:
Eichsfeld type congenital muscular dystrophy (CMYO3). Also called: MYOPATHY, SEPN1-RELATED; Rigid spine muscular dystrophy 1; SELENON-related myopathy; Congenital myopathy 3 with rigid spine. Identifiers: MedGen C0410180, MONDO:0100100, OMIM 602771.

Submission:

Labcorp Genetics (formerly Invitae), Labcorp
Classification: Likely pathogenic for Eichsfeld type congenital muscular dystrophy. Last evaluated: 2024-01-29. Review status: criteria provided, single submitter. Criteria: Invitae Variant Classification Sherloc (09022015). Collection method: clinical testing. Allele origin: germline.
Comment: This sequence change affects a splice site in intron 2 of the SELENON gene. It is expected to disrupt RNA splicing. Variants that disrupt the donor or acceptor splice site typically lead to a loss of protein function (PMID: 16199547), and loss-of-function variants in SELENON are known to be pathogenic (PMID: 21131290, 21670436). This variant is not present in population databases (gnomAD no frequency). This variant has not been reported in the literature in individuals affected with SELENON-related conditions. In summary, the currently available evidence indicates that the variant is pathogenic, but additional data are needed to prove that conclusively. Therefore, this variant has been classified as Likely Pathogenic.

Literature cited by the submitters: PubMed 16199547; PubMed 21131290; PubMed 21670436.